The following is an entry in ClinVar:

ClinVar aggregate classification (germline): Uncertain significance (0 of 4 stars; one submission).

Conditions:
GHSR-related disorder. Also called: GHSR-related condition.

Submission:

PreventionGenetics, part of Exact Sciences
Classification: Uncertain significance for GHSR-related condition. Last evaluated: 2024-03-11. Review status: no assertion criteria provided. Collection method: clinical testing. Allele origin: germline.
Comment: The GHSR c.664_666delTTC variant is predicted to result in an in-frame deletion (p.Phe222del). To our knowledge, this variant has not been reported in the literature. This variant is reported in 0.0033% of alleles in individuals of South Asian descent in gnomAD. At this time, the clinical significance of this variant is uncertain due to the absence of conclusive functional and genetic evidence.

NM_198407.2(GHSR):c.658TTC[2] (p.Phe222del)

Gene: GHSR (growth hormone secretagogue receptor; minus strand). Cytogenetic location: 3q26.31.
Variant type: Microsatellite.
Coding change: c.658TTC[2] on transcript NM_198407.2 (MANE Select); two copies in a row of the 3-base unit TTC starting at c.658; the reference has three copies in a row; one copy, 3 bases deleted.
Protein change: p.Phe222del; deletes phenylalanine 222.
Molecular consequence: inframe deletion.
Genome position (GRCh38, 1-based): chr3:172,447,748-172,447,750, GAA deleted on the plus strand (TTC on the coding strand, the reverse complement: GHSR is on the minus strand); deleting any 3 consecutive bases within chr3:172,447,748-172,447,758 gives the same sequence; the position shown is the placement nearest the transcript's 3' end. VCF-style (leftmost placement, unchanged base first): chr3-172447747-GGAA-G. GRCh37 (hg19) VCF-style: chr3-172165537-GGAA-G.
Other names: c.658TTC[2], p.Phe222del (NM_004122.2); c.664_666delTTC (NM_198407.2); short protein forms F222del.
Identifiers: ClinVar variation 3358519 (VCV003358519.1).